The following is an entry in ClinVar:

NM_182943.3(PLOD2):c.2122-2A>G

Gene: PLOD2 (procollagen-lysine,2-oxoglutarate 5-dioxygenase 2; minus strand). Cytogenetic location: 3q24.
Variant type: single nucleotide variant.
Coding change: c.2122-2A>G on transcript NM_182943.3 (MANE Select); the canonical splice acceptor site of the intron before coding-DNA position 2122, A replaced by G.
Molecular consequence: splice acceptor variant.
Genome position (GRCh38, 1-based): chr3:146,070,874, T>C on the plus strand (A>G on the coding strand, the complement: PLOD2 is on the minus strand). VCF-style: chr3-146070874-T-C. GRCh37 (hg19) VCF-style: chr3-145788661-T-C.
Other names: c.2059-2A>G (NM_000935.3); c.2122-2A>G (NM_182943.2).
Identifiers: ClinVar variation 2576839 (VCV002576839.3), dbSNP rs762644377, ClinGen allele CA2654671.

ClinVar aggregate classification (germline): Conflicting classifications of pathogenicity. Review status: criteria provided, conflicting classifications (1 of 4 stars). 3 submissions from 3 submitters: Pathogenic (1); Likely pathogenic (1); Uncertain significance (1). Last evaluated 2023-08-08.

Conditions:
PLOD2-related disorder. Also called: PLOD2-related condition.

Allele frequency attached by ClinVar (database versions not stated): gnomAD exomes below 0.00001; TOPMed below 0.00001; ExAC 0.00001.
gnomAD v4.1: 1 of 1,603,210 alleles (0.000062%); highest among the groups gnomAD compares: Admixed American, 0.0017%; no homozygotes.

Submissions (3):

Women's Health and Genetics/Laboratory Corporation of America, LabCorp
Classification: Uncertain significance. Last evaluated: 2023-08-08. Review status: criteria provided, single submitter. Criteria: LabCorp Variant Classification Summary - May 2015. Collection method: clinical testing. Allele origin: germline.
Comment: Variant summary: PLOD2 c.2122-2A>G is located in a canonical splice-site of Intron 19, the last intron, of PLOD2 and is predicted to affect mRNA splicing resulting in a significantly altered protein due to either exon skipping, shortening, or inclusion of intronic material. Several computational tools predict a significant impact on normal splicing: four predict the variant abolishes a 3' acceptor site. However, these predictions have yet to be confirmed by functional studies. The variant allele was found at a frequency of 4.2e-06 in 240798 control chromosomes (gnomAD). The available data on variant occurrences in the general population are insufficient to allow any conclusion about variant significance. c.2122-2A>G has been reported in the literature in at least two compound heterozygous siblings affected with Osteogenesis Imperfecta (e.g., Puig-Hervas_2012). These data indicate that the variant may be associated with disease. This variant was found to co-occur in cis with c.2122-8T>A in at-least one individual identified at our laboratory. However, to our knowledge, no reports of these two variants in cis have been reported in the literature. Also to our knowledge, no experimental evidence demonstrating an impact on protein function has been reported. The following publication was ascertained in the context of this evaluation (PMID: 22689593). No submitters have reported clinical-significance assessments for this variant to ClinVar after 2014. Based on the evidence outlined above, the variant was classified as VUS-possibly pathogenic.

PreventionGenetics, part of Exact Sciences
Classification: Pathogenic for PLOD2-related condition. Last evaluated: 2023-03-17. Review status: criteria provided, single submitter. Criteria: ACMG Guidelines, 2015. Collection method: clinical testing. Allele origin: germline.
Comment: The PLOD2 c.2122-2A>G variant is predicted to disrupt the AG splice acceptor site and interfere with normal splicing. This variant was reported in the compound heterozygous state in two siblings with Bruck syndrome presenting with variable phenotypes (Family 8 in Puig-Hervás et al. 2012. PubMed ID: 22689593). This variant is reported in 0.0030% of alleles in individuals of Latino descent in gnomAD. Variants that disrupt the consensus splice acceptor site in PLOD2 are expected to be pathogenic. This variant is interpreted as pathogenic

GeneDx
Classification: Likely pathogenic. Last evaluated: 2023-02-15. Review status: criteria provided, single submitter. Criteria: GeneDx Variant Classification Process June 2021. Collection method: clinical testing. Allele origin: germline. Affected: yes.
Comment: Observed with a second PLOD2 variant on the opposite allele (in trans) in two siblings with osteogenesis imperfecta-like bone fragility; additional reported features include limb deformities, osteopenia, Wormian bones, and scoliosis (Puig-Hervs et al., 2012); Canonical splice site variant expected to result in aberrant splicing, although in the absence of functional evidence the actual effect of this sequence change is unknown.; Not observed at significant frequency in large population cohorts (gnomAD); This variant is associated with the following publications: (PMID: 22689593)

Literature cited by the submitters: PubMed 22689593 (cited by Women's Health and Genetics/Laboratory Corporation of America, LabCorp).